The following is an entry in ClinVar:

ClinVar aggregate classification (germline): Uncertain significance (1 of 4 stars; one submission).

Allele frequency attached by ClinVar (database versions not stated): gnomAD exomes below 0.00001; ExAC 0.00001; gnomAD 0.00002; TOPMed 0.00003; ESP Exome Variant Server 0.00015.
gnomAD v4.1: 6 of 1,613,826 alleles (0.00037%); highest among the groups gnomAD compares: African/African-American, 0.004%; no homozygotes.

Submission:

GeneDx
Classification: Uncertain significance. Last evaluated: 2021-06-28. Review status: criteria provided, single submitter. Criteria: GeneDx Variant Classification Process June 2021. Collection method: clinical testing. Allele origin: germline. Affected: yes.
Comment: Not observed at significant frequency in large population cohorts (Lek et al., 2016); In silico analysis supports that this missense variant does not alter protein structure/function; Has not been previously published as pathogenic or benign to our knowledge; This variant is associated with the following publications: (PMID: 27535533)

NM_001854.4(COL11A1):c.4672A>G (p.Thr1558Ala)

Gene: COL11A1 (collagen type XI alpha 1 chain; minus strand). Cytogenetic location: 1p21.1.
Variant type: single nucleotide variant.
Coding change: c.4672A>G on transcript NM_001854.4 (MANE Select); coding-DNA position 4672, A replaced by G.
Protein change: p.Thr1558Ala; replaces threonine 1558 with alanine.
Molecular consequence: missense variant. On other transcripts: non-coding transcript variant (1).
Genome position (GRCh38, 1-based): chr1:102,886,993, T>C on the plus strand (A>G on the coding strand, the complement: COL11A1 is on the minus strand). VCF-style: chr1-102886993-T-C. GRCh37 (hg19) VCF-style: chr1-103352549-T-C.
Other names: c.4555A>G, p.Thr1519Ala (NM_001190709.2); c.4708A>G, p.Thr1570Ala (NM_080629.3); c.4324A>G, p.Thr1442Ala (NM_080630.4); short protein forms T1442A, T1519A, T1558A, T1570A.
Identifiers: ClinVar variation 1331153 (VCV001331153.2), dbSNP rs144404767, ClinGen allele CA973438.